The following is an entry in ClinVar:

ClinVar aggregate classification (germline): Likely benign. Review status: criteria provided, multiple submitters, no conflicts (2 of 4 stars). 3 submissions from 3 submitters: Likely benign (3). Last evaluated 2026-08-23.

Conditions:
TANGO2-related disorder. Also called: TANGO2-related condition.

Allele frequency attached by ClinVar (database versions not stated): gnomAD exomes 0.00008 and 0.00009; gnomAD 0.00010 and 0.00012; ExAC 0.00011; TOPMed 0.00013; ESP Exome Variant Server 0.00015.
gnomAD v4.1: 144 of 1,606,354 alleles (0.009%); highest among the groups gnomAD compares: Middle Eastern, 0.018%; no homozygotes.

Submissions (3):

PreventionGenetics, part of Exact Sciences
Classification: Likely benign for TANGO2-related condition. Last evaluated: 2026-08-23. Review status: criteria provided, single submitter. Criteria: ACMG Guidelines, 2015. Collection method: clinical testing. Allele origin: germline.
Comment: This variant is classified as likely benign based on ACMG/AMP sequence variant interpretation guidelines (Richards et al. 2015 PMID: 25741868, with internal and published modifications).

Labcorp Genetics (formerly Invitae), Labcorp
Classification: Likely benign. Last evaluated: 2026-01-24. Review status: criteria provided, single submitter. Criteria: Invitae Variant Classification Sherloc (09022015). Collection method: clinical testing. Allele origin: germline.

Blueprint Genetics
Classification: Likely benign. Last evaluated: 2024-04-19. Review status: criteria provided, single submitter. Criteria: ACMG Guidelines, 2015. Collection method: clinical testing. Allele origin: germline.

NM_152906.7(TANGO2):c.471C>T (p.Asn157=)

Gene: TANGO2 (transport and golgi organization 2 homolog; plus strand). Cytogenetic location: 22q11.21.
Variant type: single nucleotide variant.
Coding change: c.471C>T on transcript NM_152906.7 (MANE Select); coding-DNA position 471, C replaced by T.
Protein change: p.Asn157=; no amino-acid change (asparagine 157 retained).
Molecular consequence: synonymous variant. On other transcripts: non-coding transcript variant (3), intron variant (4).
Genome position (GRCh38, 1-based): chr22:20,061,549, C>T. VCF-style: chr22-20061549-C-T. GRCh37 (hg19) VCF-style: chr22-20049072-C-T.
Other names: c.471C>T (NM_152906.6); c.471C>T, p.Asn157= (NM_001283106.3, NM_001283116.3, NM_001283148.3 and 2 more transcripts); c.594C>T, p.Asn198= (NM_001283129.3, NM_001322141.2, NM_001322143.2 and 1 more transcripts); c.285C>T, p.Asn95= (NM_001283179.3, NM_001283186.3, NM_001322163.2 and 3 more transcripts); c.177C>T, p.Asn59= (NM_001283235.3, NM_001322150.2, NM_001322153.2 and 6 more transcripts); c.408C>T, p.Asn136= (NM_001322145.2, NM_001322147.2); c.369C>T, p.Asn123= (NM_001322146.2, NM_001322148.2, NM_001322160.2); c.381-1789C>T (NM_001283199.3); and 3 more.
Identifiers: ClinVar variation 1657422 (VCV001657422.10), dbSNP rs148730599, ClinGen allele CA10106464.